The following is an entry in ClinVar:

ClinVar aggregate classification (germline): Likely benign. Review status: criteria provided, multiple submitters, no conflicts (2 of 4 stars). 4 submissions from 4 submitters: Likely benign (3). 1 of the submissions does not count toward it. Last evaluated 2026-01-28.

Conditions:
Joubert syndrome 20 (JBTS20). Identifiers: Orphanet 475, MedGen C3554235, MONDO:0013994, OMIM 614970.
Meckel syndrome, type 11 (MKS11). Identifiers: Orphanet 564, MedGen C3809352, MONDO:0014164, OMIM 615397.
TMEM231-related disorder. Also called: TMEM231-related condition.

Allele frequency attached by ClinVar (database versions not stated): gnomAD exomes 0.00003 and 0.00005; gnomAD 0.00006 and 0.00007; ExAC 0.00007; TOPMed 0.00013; ESP Exome Variant Server 0.00032.

Submissions (4):

Labcorp Genetics (formerly Invitae), Labcorp
Classification: Likely benign for Joubert syndrome 20; Meckel syndrome, type 11. Last evaluated: 2026-01-28. Review status: criteria provided, single submitter. Criteria: Invitae Variant Classification Sherloc (09022015). Collection method: clinical testing. Allele origin: germline.

Blueprint Genetics
Classification: Likely benign. Last evaluated: 2024-09-10. Review status: criteria provided, single submitter. Criteria: ACMG Guidelines, 2015. Collection method: clinical testing. Allele origin: germline.

CeGaT Center for Human Genetics Tuebingen
Classification: Likely benign. Last evaluated: 2024-09-01. Review status: criteria provided, single submitter. Criteria: CeGaT Center For Human Genetics Tuebingen Variant Classification Criteria Version 2. Collection method: clinical testing. Allele origin: germline. Affected: yes. Observed: 1 variant allele.
Comment: TMEM231: BP4, BP7

PreventionGenetics, part of Exact Sciences
Classification: Likely benign for TMEM231-related condition. Last evaluated: 2019-05-29. Review status: no assertion criteria provided. Collection method: clinical testing. Allele origin: germline. Not counted in ClinVar's aggregate classification.
Comment: This variant is classified as likely benign based on ACMG/AMP sequence variant interpretation guidelines (Richards et al. 2015 PMID: 25741868, with internal and published modifications).

NM_001077418.3(TMEM231):c.624C>T (p.Tyr208=)

Gene: TMEM231 (transmembrane protein 231; minus strand). Cytogenetic location: 16q23.1.
Variant type: single nucleotide variant.
Coding change: c.624C>T on transcript NM_001077418.3 (MANE Select); coding-DNA position 624, C replaced by T.
Protein change: p.Tyr208=; no amino-acid change (tyrosine 208 retained).
Molecular consequence: synonymous variant. On other transcripts: non-coding transcript variant (1).
Genome position (GRCh38, 1-based): chr16:75,542,642, G>A on the plus strand (C>T on the coding strand, the complement: TMEM231 is on the minus strand). VCF-style: chr16-75542642-G-A. GRCh37 (hg19) VCF-style: chr16-75576540-G-A.
Other names: c.783C>T, p.Tyr261= (NM_001077416.2).
Identifiers: ClinVar variation 1602926 (VCV001602926.25), dbSNP rs368594302, ClinGen allele CA8176107.